The following is an entry in ClinVar:

ClinVar aggregate classification (germline): Uncertain significance. Review status: criteria provided, multiple submitters, no conflicts (2 of 4 stars). 2 submissions from 2 submitters: Uncertain significance (2). Last evaluated 2025-10-13.

Conditions:
Congenital microvillous atrophy (DIAR2). Also called: DAVIDSON DISEASE; MICROVILLUS ATROPHY, CONGENITAL; Microvillus inclusion disease; Diarrhea 2 with microvillus atrophy, with or without cholestasis; CONGENITAL FAMILIAL PROTRACTED DIARRHEA WITH ENTEROCYTE BRUSH-BORDER ABNORMALITIES. Identifiers: Orphanet 2290, MedGen C0341306, MONDO:0009635, OMIM 251850.

Allele frequency attached by ClinVar (database versions not stated): gnomAD exomes 0.00001; TOPMed 0.00002.
gnomAD v4.1: 8 of 1,612,202 alleles (0.0005%); highest among the groups gnomAD compares: East Asian, 0.0089%; no homozygotes.

Submissions (2):

Labcorp Genetics (formerly Invitae), Labcorp
Classification: Uncertain significance. Last evaluated: 2025-10-13. Review status: criteria provided, single submitter. Criteria: Invitae Variant Classification Sherloc (09022015). Collection method: clinical testing. Allele origin: germline.
Comment: This sequence change replaces aspartic acid, which is acidic and polar, with asparagine, which is neutral and polar, at codon 935 of the MYO5B protein (p.Asp935Asn). This variant is not present in population databases (gnomAD no frequency). This variant has not been reported in the literature in individuals affected with MYO5B-related conditions. ClinVar contains an entry for this variant (Variation ID: 327037). Invitae Evidence Modeling of protein sequence and biophysical properties (such as structural, functional, and spatial information, amino acid conservation, physicochemical variation, residue mobility, and thermodynamic stability) indicates that this missense variant is not expected to disrupt MYO5B protein function with a negative predictive value of 80%. In summary, the available evidence is currently insufficient to determine the role of this variant in disease. Therefore, it has been classified as a Variant of Uncertain Significance.

Illumina Laboratory Services, Illumina
Classification: Uncertain significance for Congenital microvillous atrophy. Last evaluated: 2018-01-13. Review status: criteria provided, single submitter. Criteria: ICSL Variant Classification Criteria 13 December 2019. Collection method: clinical testing. Allele origin: germline.

NM_001080467.3(MYO5B):c.2803G>A (p.Asp935Asn)

Gene: MYO5B (myosin VB; minus strand). Cytogenetic location: 18q21.1.
Variant type: single nucleotide variant.
Coding change: c.2803G>A on transcript NM_001080467.3 (MANE Select); coding-DNA position 2803, G replaced by A.
Protein change: p.Asp935Asn; replaces aspartic acid 935 with asparagine.
Molecular consequence: missense variant.
Genome position (GRCh38, 1-based): chr18:49,902,602, C>T on the plus strand (G>A on the coding strand, the complement: MYO5B is on the minus strand). VCF-style: chr18-49902602-C-T. GRCh37 (hg19) VCF-style: chr18-47428972-C-T.
Other names: short protein forms D935N.
Identifiers: ClinVar variation 327037 (VCV000327037.6), dbSNP rs886053878, ClinGen allele CA10650929.